The following is an entry in ClinVar:

NM_001035.3(RYR2):c.153C>T (p.Ser51=)

Gene: RYR2 (ryanodine receptor 2; plus strand). Cytogenetic location: 1q43.
Variant type: single nucleotide variant.
Coding change: c.153C>T on transcript NM_001035.3 (MANE Select); coding-DNA position 153, C replaced by T.
Protein change: p.Ser51=; no amino-acid change (serine 51 retained).
Molecular consequence: synonymous variant.
Genome position (GRCh38, 1-based): chr1:237,270,601, C>T. VCF-style: chr1-237270601-C-T. GRCh37 (hg19) VCF-style: chr1-237433901-C-T.
Identifiers: ClinVar variation 3070101 (VCV003070101.1), dbSNP rs745925168, ClinGen allele CA064253.
Genomic context (GRCh38, chr1:237,270,601, plus strand): 5'-ACAACAGAAGCTATGCTTGGCAGCAGAAGGATTTGGCAACAGACTTTGTTTCTTGGAGTC[C>T]ACTTCCAATTCCAAGGTGGGATGAAGTCTTTCAAGGCTATTCAAATATGCAAGTTTTACT-3'
Protein context (NP_001026.2, residues 41-61): GFGNRLCFLE[Ser51=]TSNSKNVPPD

ClinVar aggregate classification (germline): Likely benign (1 of 4 stars; one submission).

Conditions:
Catecholaminergic polymorphic ventricular tachycardia (CVPT). Also called: Catecholamine-induced polymorphic ventricular tachycardia. Identifiers: Orphanet 3286, MedGen C5574922, MONDO:0017990.

Allele frequency attached by ClinVar (database versions not stated): gnomAD exomes 0.00001; ExAC 0.00002.
gnomAD v4.1: 3 of 1,586,546 alleles (0.00019%); no homozygotes.

Submission:

All of Us Research Program, National Institutes of Health
Classification: Likely benign for Catecholaminergic polymorphic ventricular tachycardia. Last evaluated: 2023-04-03. Review status: criteria provided, single submitter. Criteria: ACMG Guidelines, 2015. Collection method: clinical testing. Allele origin: germline. Inheritance: Autosomal dominant inheritance. Observed: 1 variant allele, 1 heterozygote.
Comment: This study involves interpretation of variants in research participants for the purpose of population health screening. Participant phenotype was not available at the time of variant classification. Additional details can be found in publication PMID: 35346344, PMCID: PMC8962531